The following is an entry in ClinVar:

NM_001999.4(FBN2):c.3839C>T (p.Ser1280Leu)

Gene: FBN2 (fibrillin 2; minus strand). Cytogenetic location: 5q23.3.
Variant type: single nucleotide variant.
Coding change: c.3839C>T on transcript NM_001999.4 (MANE Select); coding-DNA position 3839, C replaced by T.
Protein change: p.Ser1280Leu; replaces serine 1280 with leucine.
Molecular consequence: missense variant.
Genome position (GRCh38, 1-based): chr5:128,335,463, G>A on the plus strand (C>T on the coding strand, the complement: FBN2 is on the minus strand). VCF-style: chr5-128335463-G-A. GRCh37 (hg19) VCF-style: chr5-127671155-G-A.
Other names: short protein forms S1280L.
Identifiers: ClinVar variation 213402 (VCV000213402.64), dbSNP rs200481467, ClinGen allele CA324510.

ClinVar aggregate classification (germline): Conflicting classifications of pathogenicity. Review status: criteria provided, conflicting classifications (1 of 4 stars). 5 submissions from 5 submitters: Uncertain significance (4); Likely benign (1). Last evaluated 2026-01-13.

Conditions:
Connective tissue disorder. Also called: Connective tissue disease. Identifiers: MedGen C0009782, MONDO:0003900.
Congenital contractural arachnodactyly (CCA). Also called: BEALS SYNDROME; Beals-Hecht syndrome; Arthrogryposis, distal, type 9. Identifiers: Orphanet 115, MedGen C0220668, MONDO:0007363, OMIM 121050.
Familial thoracic aortic aneurysm and aortic dissection (TAAD). Also called: Thoracic aortic aneurysms and dissections. Identifiers: Orphanet 91387, MedGen C4707243, MONDO:0019625.

Allele frequency attached by ClinVar (database versions not stated): gnomAD 0.00007; gnomAD exomes 0.00007 and 0.00013; TOPMed 0.00007; ESP Exome Variant Server 0.00008; ExAC 0.00010.
gnomAD v4.1: 191 of 1,614,132 alleles (0.012%); highest among the groups gnomAD compares: Non-Finnish European, 0.015%; 1 homozygote.

Submissions (5):

Labcorp Genetics (formerly Invitae), Labcorp
Classification: Likely benign for Congenital contractural arachnodactyly. Last evaluated: 2026-01-13. Review status: criteria provided, single submitter. Criteria: Invitae Variant Classification Sherloc (09022015). Collection method: clinical testing. Allele origin: germline.

Ambry Genetics
Classification: Uncertain significance for Familial thoracic aortic aneurysm and aortic dissection. Last evaluated: 2024-06-03. Review status: criteria provided, single submitter. Criteria: Ambry Variant Classification Scheme 2023. Collection method: clinical testing. Allele origin: germline.
Comment: The p.S1280L variant (also known as c.3839C>T), located in coding exon 29 of the FBN2 gene, results from a C to T substitution at nucleotide position 3839. The serine at codon 1280 is replaced by leucine, an amino acid with dissimilar properties. This amino acid position is not well conserved in available vertebrate species. In addition, the in silico prediction for this alteration is inconclusive. Since supporting evidence is limited at this time, the clinical significance of this alteration remains unclear.

GeneDx
Classification: Uncertain significance. Last evaluated: 2023-10-13. Review status: criteria provided, single submitter. Criteria: GeneDx Variant Classification Process June 2021. Collection method: clinical testing. Allele origin: germline. Affected: yes.
Comment: Has not been previously published as pathogenic or benign to our knowledge; At the protein level, in silico analysis supports that this missense variant has a deleterious effect on protein structure/function; At the mRNA level, in silico analysis is inconclusive as to whether the variant alters gene splicing. In the absence of RNA/functional studies, the actual effect of this sequence change is unknown.; Although located in a calcium-binding EGF-like domain of the FBN2 gene, it does not substitute or introduce a cysteine residue (Callewaert et al., 2009; Frederic et al., 2009); This variant is associated with the following publications: (PMID: 19006240, 18767143)

Genome Diagnostics Laboratory, The Hospital for Sick Children
Classification: Uncertain significance for Connective tissue disorder. Last evaluated: 2020-03-01. Review status: criteria provided, single submitter. Criteria: ACMG Guidelines, 2015. Collection method: clinical testing. Allele origin: germline.

CeGaT Center for Human Genetics Tuebingen
Classification: Uncertain significance. Last evaluated: 2017-02-01. Review status: criteria provided, single submitter. Criteria: CeGaT Center For Human Genetics Tuebingen Variant Classification Criteria Version 2. Collection method: clinical testing. Allele origin: germline. Affected: yes. Observed: 1 variant allele.